The following is an entry in ClinVar:

NM_001042492.3(NF1):c.2707G>C (p.Val903Leu)

Gene: NF1 (neurofibromin 1; plus strand). Cytogenetic location: 17q11.2.
Variant type: single nucleotide variant.
Coding change: c.2707G>C on transcript NM_001042492.3 (MANE Select); coding-DNA position 2707, G replaced by C.
Protein change: p.Val903Leu; replaces valine 903 with leucine.
Molecular consequence: missense variant.
Genome position (GRCh38, 1-based): chr17:31,229,322, G>C. VCF-style: chr17-31229322-G-C. GRCh37 (hg19) VCF-style: chr17-29556340-G-C.
Other names: c.2707G>C, p.Val903Leu (NM_000267.4); short protein forms V903L.
Identifiers: ClinVar variation 1795003 (VCV001795003.2), dbSNP rs2151429483, ClinGen allele CA398985068.

ClinVar aggregate classification (germline): Uncertain significance (1 of 4 stars; one submission).

Conditions:
Cardiovascular phenotype. Identifiers: MedGen CN230736.
Hereditary cancer-predisposing syndrome. Also called: Tumor predisposition; Hereditary Cancer Syndrome; Neoplastic Syndromes, Hereditary; Hereditary neoplastic syndrome. Identifiers: Orphanet 140162, MedGen C0027672, MeSH D009386, MONDO:0015356.

Submission:

Ambry Genetics
Classification: Uncertain significance for Cardiovascular phenotype; Hereditary cancer-predisposing syndrome. Last evaluated: 2022-10-11. Review status: criteria provided, single submitter. Criteria: Ambry Variant Classification Scheme 2023. Collection method: clinical testing. Allele origin: germline.
Comment: The p.V903L variant (also known as c.2707G>C), located in coding exon 21 of the NF1 gene, results from a G to C substitution at nucleotide position 2707. The valine at codon 903 is replaced by leucine, an amino acid with highly similar properties. This amino acid position is highly conserved in available vertebrate species. In addition, this alteration is predicted to be deleterious by in silico analysis. Since supporting evidence is limited at this time, the clinical significance of this alteration remains unclear.